The following is an entry in ClinVar:

NM_003816.3(ADAM9):c.2419C>T (p.Arg807Cys)

Gene: ADAM9 (ADAM metallopeptidase domain 9; plus strand). Cytogenetic location: 8p11.22.
Variant type: single nucleotide variant.
Coding change: c.2419C>T on transcript NM_003816.3 (MANE Select); coding-DNA position 2419, C replaced by T.
Protein change: p.Arg807Cys; replaces arginine 807 with cysteine.
Molecular consequence: missense variant. On other transcripts: non-coding transcript variant (3).
Genome position (GRCh38, 1-based): chr8:39,103,659, C>T. VCF-style: chr8-39103659-C-T. GRCh37 (hg19) VCF-style: chr8-38961178-C-T.
Other names: short protein forms R807C.
Identifiers: ClinVar variation 1057036 (VCV001057036.4), dbSNP rs369982133, ClinGen allele CA4721912.

ClinVar aggregate classification (germline): Uncertain significance. Review status: criteria provided, multiple submitters, no conflicts (2 of 4 stars). 2 submissions from 2 submitters: Uncertain significance (2). Last evaluated 2023-06-13.

Allele frequency attached by ClinVar (database versions not stated): gnomAD exomes 0.00001 and 0.00002; ExAC 0.00002; ESP Exome Variant Server 0.00008.

Submissions (2):

Labcorp Genetics (formerly Invitae), Labcorp
Classification: Uncertain significance. Last evaluated: 2023-06-13. Review status: criteria provided, single submitter. Criteria: Invitae Variant Classification Sherloc (09022015). Collection method: clinical testing. Allele origin: germline.
Comment: This variant has not been reported in the literature in individuals affected with ADAM9-related conditions. This variant is present in population databases (rs369982133, gnomAD 0.002%). This sequence change replaces arginine, which is basic and polar, with cysteine, which is neutral and slightly polar, at codon 807 of the ADAM9 protein (p.Arg807Cys). ClinVar contains an entry for this variant (Variation ID: 1057036). In summary, the available evidence is currently insufficient to determine the role of this variant in disease. Therefore, it has been classified as a Variant of Uncertain Significance. An algorithm developed to predict the effect of missense changes on protein structure and function (PolyPhen-2) suggests that this variant is likely to be disruptive.

Blueprint Genetics
Classification: Uncertain significance. Last evaluated: 2022-04-28. Review status: criteria provided, single submitter. Criteria: ACMG Guidelines, 2015. Collection method: clinical testing. Allele origin: germline.